The following is an entry in ClinVar:

ClinVar aggregate classification (germline): Pathogenic (1 of 4 stars; one submission).

Conditions:
Polycystic kidney disease, adult type (PKD1). Also called: Polycystic Kidney Disease 1, Autosomal Dominant; Polycystic kidney disease 1; Polycystic kidney disease 1, severe; POLYCYSTIC KIDNEY DISEASE, ADULT, TYPE I; Polycystic Kidney, Autosomal Dominant; POLYCYSTIC KIDNEY DISEASE 1 WITH OR WITHOUT POLYCYSTIC LIVER DISEASE. Identifiers: MedGen C3149841, MONDO:0008263, OMIM 173900.

Submission:

Juno Genomics, Hangzhou Juno Genomics, Inc
Classification: Pathogenic for Polycystic kidney disease, adult type. Review status: criteria provided, single submitter. Criteria: ACMG Guidelines, 2015. Collection method: clinical testing. Allele origin: germline.
Comment: Absent from controls (or at extremely low frequency if recessive) in Genome Aggregation Database.;Null variant in a gene where loss of function (LOF) is a known mechanism of disease.;The prevalence of the variant in affected individuals is significantly increased compared to the prevalence in controls.;Patient's phenotype or family history is highly specific for a disease with a single genetic etiology.

NM_001009944.3(PKD1):c.6341_6344del (p.Ser2113_Tyr2114insTer)

Gene: PKD1 (polycystin 1, transient receptor potential channel interacting; minus strand). Cytogenetic location: 16p13.3.
Variant type: Deletion.
Coding change: c.6341_6344del on transcript NM_001009944.3 (MANE Select); coding-DNA positions 6341 to 6344, 4 bases deleted (ACCT; older notation c.6341_6344delACCT).
Protein change: p.Ser2113_Tyr2114insTer.
Molecular consequence: nonsense.
Genome position (GRCh38, 1-based): chr16:2,108,823-2,108,826, AGGT deleted on the plus strand (ACCT on the coding strand, the reverse complement: PKD1 is on the minus strand); deleting any 4 consecutive bases within chr16:2,108,823-2,108,829 gives the same sequence; the c. name uses the placement nearest the transcript's 3' end. VCF-style (leftmost placement, unchanged base first): chr16-2108822-CAGGT-C. GRCh37 (hg19) VCF-style: chr16-2158823-CAGGT-C.
Other names: c.6341_6344del, p.Ser2113_Tyr2114insTer (NM_000296.4).
Identifiers: ClinVar variation 3335855 (VCV003335855.4).